The following is an entry in ClinVar:

NM_004771.4(MMP20):c.164A>G (p.His55Arg)

Gene: MMP20 (matrix metallopeptidase 20; minus strand). Cytogenetic location: 11q22.2.
Variant type: single nucleotide variant.
Coding change: c.164A>G on transcript NM_004771.4 (MANE Select); coding-DNA position 164, A replaced by G.
Protein change: p.His55Arg; replaces histidine 55 with arginine.
Molecular consequence: missense variant.
Genome position (GRCh38, 1-based): chr11:102,617,022, T>C on the plus strand (A>G on the coding strand, the complement: MMP20 is on the minus strand). VCF-style: chr11-102617022-T-C. GRCh37 (hg19) VCF-style: chr11-102487753-T-C.
Other names: short protein forms H55R.
Identifiers: ClinVar variation 2504742 (VCV002504742.2), dbSNP rs202146356, ClinGen allele CA6248543.

ClinVar aggregate classification (germline): Uncertain significance. Review status: criteria provided, multiple submitters, no conflicts (2 of 4 stars). 2 submissions from 2 submitters: Uncertain significance (2). Last evaluated 2023-12-19.

Conditions:
Inborn genetic diseases. Identifiers: MedGen C0950123, MeSH D030342.

Allele frequency attached by ClinVar (database versions not stated): 1000 Genomes Project 30x 0.00031; gnomAD exomes below 0.00001; ExAC 0.00002; gnomAD 0.00003; TOPMed 0.00005; 1000 Genomes Project 0.00020.

Submissions (2):

Ambry Genetics
Classification: Uncertain significance for Inborn genetic diseases. Last evaluated: 2023-12-19. Review status: criteria provided, single submitter. Criteria: Ambry Variant Classification Scheme 2023. Collection method: clinical testing. Allele origin: germline.

GeneDx
Classification: Uncertain significance. Last evaluated: 2022-12-07. Review status: criteria provided, single submitter. Criteria: GeneDx Variant Classification Process June 2021. Collection method: clinical testing. Allele origin: germline. Affected: yes.
Comment: Not observed at significant frequency in large population cohorts (gnomAD); In silico analysis supports that this missense variant does not alter protein structure/function; Has not been previously published as pathogenic or benign to our knowledge